The following is an entry in ClinVar:

ClinVar aggregate classification (germline): Uncertain significance (1 of 4 stars; one submission).

Conditions:
DiGeorge syndrome. Also called: THIRD AND FOURTH PHARYNGEAL POUCH SYNDROME; Catch22. Identifiers: Orphanet 567, MedGen C0012236, MONDO:0008564, OMIM 188400.

Submission:

Labcorp Genetics (formerly Invitae), Labcorp
Classification: Uncertain significance for DiGeorge syndrome. Last evaluated: 2024-04-25. Review status: criteria provided, single submitter. Criteria: Invitae Variant Classification Sherloc (09022015). Collection method: clinical testing. Allele origin: germline.
Comment: This sequence change replaces valine, which is neutral and non-polar, with leucine, which is neutral and non-polar, at codon 368 of the TBX1 protein (p.Val368Leu). This variant is not present in population databases (gnomAD no frequency). This variant has not been reported in the literature in individuals affected with TBX1-related conditions. An algorithm developed to predict the effect of missense changes on protein structure and function (PolyPhen-2) suggests that this variant is likely to be tolerated. In summary, the available evidence is currently insufficient to determine the role of this variant in disease. Therefore, it has been classified as a Variant of Uncertain Significance.

NM_001379200.1(TBX1):c.1129G>C (p.Val377Leu)

Gene: TBX1 (T-box transcription factor 1; plus strand). Cytogenetic location: 22q11.21.
Variant type: single nucleotide variant.
Coding change: c.1129G>C on transcript NM_001379200.1 (MANE Select); coding-DNA position 1129, G replaced by C.
Protein change: p.Val377Leu; replaces valine 377 with leucine.
Molecular consequence: missense variant. On other transcripts: intron variant (2).
Genome position (GRCh38, 1-based): chr22:19,766,481, G>C. VCF-style: chr22-19766481-G-C. GRCh37 (hg19) VCF-style: chr22-19754004-G-C.
Other names: c.1102G>C, p.Val368Leu (NM_080647.1); c.1009+479G>C (NM_005992.1, NM_080646.2); short protein forms V368L, V377L.
Identifiers: ClinVar variation 3623874 (VCV003623874.2).